The following is an entry in ClinVar:

ClinVar aggregate classification (germline): Uncertain significance (1 of 4 stars; one submission).

Submission:

Labcorp Genetics (formerly Invitae), Labcorp
Classification: Uncertain significance. Last evaluated: 2023-03-04. Review status: criteria provided, single submitter. Criteria: Invitae Variant Classification Sherloc (09022015). Collection method: clinical testing. Allele origin: germline.
Comment: This sequence change replaces alanine, which is neutral and non-polar, with threonine, which is neutral and polar, at codon 938 of the COL4A6 protein (p.Ala938Thr). Information on the frequency of this variant in the gnomAD database is not available, as this variant may be reported differently in the database. In summary, the available evidence is currently insufficient to determine the role of this variant in disease. Therefore, it has been classified as a Variant of Uncertain Significance. Experimental studies and prediction algorithms are not available or were not evaluated, and the functional significance of this variant is currently unknown. This variant has not been reported in the literature in individuals affected with COL4A6-related conditions.

NM_033641.4(COL4A6):c.2808_2809inv (p.Ala937Thr)

Gene: COL4A6 (collagen type IV alpha 6 chain; minus strand). Cytogenetic location: Xq22.3.
Variant type: Inversion.
Coding change: c.2808_2809inv on transcript NM_033641.4 (MANE Select).
Protein change: p.Ala937Thr; replaces alanine 937 with threonine.
Molecular consequence: missense variant.
Genome position: GRCh38 VCF-style: chrX-108175675-CA-TG. GRCh37 (hg19) VCF-style: chrX-107418905-CA-TG.
Other names: c.2859_2860inv, p.Ala954Thr (NM_001287758.2); c.2808_2809inv, p.Ala937Thr (NM_001287759.2, NM_001287760.2); c.2811_2812inv, p.Ala938Thr (NM_001847.4); short protein forms A938T, A954T, A937T.
Identifiers: ClinVar variation 2725922 (VCV002725922.3), ClinGen allele CA2697544709.
Genomic context (GRCh38, chrX:108,175,675, plus strand): 5'-GCATGGGCAGCAGTTCCAGAATTCAATTCCCCAGCTCACCCTTTTCACCAGGAGTACCAG[CA>TG]CGTCCAGATGGTCCCATTTTTCCAGTTGATCCTGGAATTCCTTTTAATCCTCTTGTTCCA-3'
Protein context (NP_378667.1, residues 927-947): STGKMGPSGR[Ala937Thr]GTPGEKGDRG